The following is an entry in ClinVar:

ClinVar aggregate classification (germline): Uncertain significance. Review status: criteria provided, single submitter (1 of 4 stars). 2 submissions from 2 submitters: Uncertain significance (1). 1 of the submissions does not count toward it. Last evaluated 2025-04-07.

Conditions:
Fetal akinesia deformation sequence 1 (FADS1). Also called: Fetal akinesia sequence; Pena-Shokeir syndrome type I. Identifiers: Orphanet 994, MedGen C1276035, MONDO:0100101, OMIM 208150, HP:0001989.
Congenital myasthenic syndrome 11. Also called: Myasthenic syndrome, congenital, 11, associated with acetylcholine receptor deficiency; MYASTHENIC SYNDROME, CONGENITAL, Ie. Identifiers: Orphanet 590, MedGen C4225367, MONDO:0014588, OMIM 616326.
Congenital myasthenic syndrome (CMS). Also called: Congenital Myasthenic Syndromes. Identifiers: Orphanet 590, MedGen C0751882, MeSH D020294, MONDO:0018940.

Allele frequency attached by ClinVar (database versions not stated): TOPMed below 0.00001; gnomAD 0.00001; ExAC 0.00002; 1000 Genomes Project 30x 0.00016; 1000 Genomes Project 0.00020.
gnomAD v4.1: 7 of 1,614,240 alleles (0.00043%); highest among the groups gnomAD compares: East Asian, 0.0067%; no homozygotes.

Submissions (2):

Labcorp Genetics (formerly Invitae), Labcorp
Classification: Uncertain significance for Congenital myasthenic syndrome 11; Fetal akinesia deformation sequence 1. Last evaluated: 2025-04-07. Review status: criteria provided, single submitter. Criteria: Invitae Variant Classification Sherloc (09022015). Collection method: clinical testing. Allele origin: germline.
Comment: This sequence change replaces valine, which is neutral and non-polar, with leucine, which is neutral and non-polar, at codon 28 of the RAPSN protein (p.Val28Leu). This variant is present in population databases (rs199984356, gnomAD 0.02%). This variant has not been reported in the literature in individuals affected with RAPSN-related conditions. ClinVar contains an entry for this variant (Variation ID: 850061). Invitae Evidence Modeling of protein sequence and biophysical properties (such as structural, functional, and spatial information, amino acid conservation, physicochemical variation, residue mobility, and thermodynamic stability) indicates that this missense variant is not expected to disrupt RAPSN protein function with a negative predictive value of 80%. In summary, the available evidence is currently insufficient to determine the role of this variant in disease. Therefore, it has been classified as a Variant of Uncertain Significance.

Natera, Inc.
Classification: Uncertain significance for Congenital myasthenic syndrome. Last evaluated: 2020-10-23. Review status: no assertion criteria provided. Collection method: clinical testing. Allele origin: germline. Not counted in ClinVar's aggregate classification.

NM_005055.5(RAPSN):c.82G>T (p.Val28Leu)

Gene: RAPSN (receptor associated protein of the synapse; minus strand). Cytogenetic location: 11p11.2.
Variant type: single nucleotide variant.
Coding change: c.82G>T on transcript NM_005055.5 (MANE Select); coding-DNA position 82, G replaced by T.
Protein change: p.Val28Leu; replaces valine 28 with leucine.
Molecular consequence: missense variant.
Genome position (GRCh38, 1-based): chr11:47,448,883, C>A on the plus strand (G>T on the coding strand, the complement: RAPSN is on the minus strand). VCF-style: chr11-47448883-C-A. GRCh37 (hg19) VCF-style: chr11-47470435-C-A.
Other names: c.82G>T, p.Val28Leu (NM_032645.5); short protein forms V28L.
Identifiers: ClinVar variation 850061 (VCV000850061.9), dbSNP rs199984356, ClinGen allele CA5976840.